The following is an entry in ClinVar:

NM_004656.4(BAP1):c.1740G>C (p.Lys580Asn)

Gene: BAP1 (BRCA1 associated deubiquitinase 1; minus strand). Cytogenetic location: 3p21.1.
Variant type: single nucleotide variant.
Coding change: c.1740G>C on transcript NM_004656.4 (MANE Select); coding-DNA position 1740, G replaced by C.
Protein change: p.Lys580Asn; replaces lysine 580 with asparagine.
Molecular consequence: missense variant.
Genome position (GRCh38, 1-based): chr3:52,403,288, C>G on the plus strand (G>C on the coding strand, the complement: BAP1 is on the minus strand). VCF-style: chr3-52403288-C-G. GRCh37 (hg19) VCF-style: chr3-52437304-C-G.
Other names: c.1740G>C (NM_004656.2); short protein forms K580N.
Identifiers: ClinVar variation 918492 (VCV000918492.12), dbSNP rs1438648758, ClinGen allele CA353099312.

ClinVar aggregate classification (germline): Uncertain significance. Review status: criteria provided, multiple submitters, no conflicts (2 of 4 stars). 5 submissions from 5 submitters: Uncertain significance (5). Last evaluated 2025-05-29.

Conditions:
Kury-Isidor syndrome (KURIS). Identifiers: MedGen C5676925, MONDO:0859230, OMIM 619762.
BAP1-related tumor predisposition syndrome (TPDS1). Also called: Tumor susceptibility linked to germline BAP1 mutations; COMMON Syndrome; TUMOR PREDISPOSITION SYNDROME 1; BAP1 tumor predisposition syndrome. Identifiers: Orphanet 289539, MedGen C3280492, MONDO:0013692, OMIM 614327.
Hereditary cancer-predisposing syndrome. Also called: Neoplastic Syndromes, Hereditary; Tumor predisposition; Hereditary Cancer Syndrome; Hereditary neoplastic syndrome. Identifiers: Orphanet 140162, MedGen C0027672, MeSH D009386, MONDO:0015356.

Allele frequency attached by ClinVar (database versions not stated): gnomAD exomes 0.00001; TOPMed 0.00001.
gnomAD v4.1: 13 of 1,613,922 alleles (0.00081%); highest among the groups gnomAD compares: Non-Finnish European, 0.0011%; no homozygotes.

Submissions (5):

Labcorp Genetics (formerly Invitae), Labcorp
Classification: Uncertain significance for BAP1-related tumor predisposition syndrome. Last evaluated: 2025-05-29. Review status: criteria provided, single submitter. Criteria: Invitae Variant Classification Sherloc (09022015). Collection method: clinical testing. Allele origin: germline.
Comment: This sequence change replaces lysine, which is basic and polar, with asparagine, which is neutral and polar, at codon 580 of the BAP1 protein (p.Lys580Asn). This variant is not present in population databases (gnomAD no frequency). This variant has not been reported in the literature in individuals affected with BAP1-related conditions. ClinVar contains an entry for this variant (Variation ID: 918492). Invitae Evidence Modeling of protein sequence and biophysical properties (such as structural, functional, and spatial information, amino acid conservation, physicochemical variation, residue mobility, and thermodynamic stability) indicates that this missense variant is not expected to disrupt BAP1 protein function with a negative predictive value of 80%. In summary, the available evidence is currently insufficient to determine the role of this variant in disease. Therefore, it has been classified as a Variant of Uncertain Significance.

Ambry Genetics
Classification: Uncertain significance for Hereditary cancer-predisposing syndrome. Last evaluated: 2024-06-13. Review status: criteria provided, single submitter. Criteria: Ambry Variant Classification Scheme 2023. Collection method: clinical testing. Allele origin: germline.
Comment: The p.K580N variant (also known as c.1740G>C), located in coding exon 14 of the BAP1 gene, results from a G to C substitution at nucleotide position 1740. The lysine at codon 580 is replaced by asparagine, an amino acid with similar properties. This amino acid position is conserved. In addition, this alteration is predicted to be tolerated by in silico analysis. Based on the available evidence, the clinical significance of this variant remains unclear.

Color Diagnostics, LLC DBA Color Health
Classification: Uncertain significance for Hereditary cancer-predisposing syndrome. Last evaluated: 2024-03-06. Review status: criteria provided, single submitter. Criteria: ACMG Guidelines, 2015. Collection method: clinical testing. Allele origin: germline.
Comment: This missense variant replaces lysine with asparagine at codon 580 of the BAP1 protein. Computational prediction suggests that this variant may not impact protein structure and function. To our knowledge, functional studies have not been reported for this variant. This variant has not been reported in individuals affected with hereditary cancer in the literature. This variant has not been identified in the general population by the Genome Aggregation Database (gnomAD). The available evidence is insufficient to determine the role of this variant in disease conclusively. Therefore, this variant is classified as a Variant of Uncertain Significance.

GeneDx
Classification: Uncertain significance. Last evaluated: 2023-06-12. Review status: criteria provided, single submitter. Criteria: GeneDx Variant Classification Process June 2021. Collection method: clinical testing. Allele origin: germline. Affected: yes.
Comment: Not observed at significant frequency in large population cohorts (gnomAD); In silico analysis supports that this missense variant does not alter protein structure/function; Has not been previously published as pathogenic or benign to our knowledge

Fulgent Genetics
Classification: Uncertain significance for BAP1-related tumor predisposition syndrome; Kury-Isidor syndrome. Last evaluated: 2022-04-23. Review status: criteria provided, single submitter. Criteria: ACMG Guidelines, 2015. Collection method: clinical testing. Allele origin: unknown.